The following is an entry in ClinVar:

ClinVar aggregate classification (germline): Likely pathogenic (1 of 4 stars; one submission).

Conditions:
Hereditary sensory and autonomic neuropathy type 6. Also called: HSAN VI; Neuropathy, hereditary sensory and autonomic, type VI. Identifiers: Orphanet 314381, MedGen C3539003, MONDO:0013839, OMIM 614653.
Epidermolysis bullosa simplex 3, localized or generalized intermediate, with BP230 deficiency (EBS3). Also called: Epidermolysis bullosa simplex, autosomal recessive 2; Epidermolysis bullosa simplex due to BP230 deficiency. Identifiers: Orphanet 412181, MedGen C3809470, MONDO:0014180, OMIM 615425.

Allele frequency attached by ClinVar (database versions not stated): ExAC 0.00001.

Submission:

Labcorp Genetics (formerly Invitae), Labcorp
Classification: Likely pathogenic for Epidermolysis bullosa simplex 3, localized or generalized intermediate, with BP230 deficiency; Hereditary sensory and autonomic neuropathy type 6. Last evaluated: 2023-10-14. Review status: criteria provided, single submitter. Criteria: Invitae Variant Classification Sherloc (09022015). Collection method: clinical testing. Allele origin: germline.
Comment: The DST gene has multiple clinically relevant transcripts. This variant occurs in alternate transcript NM_015548.4, and corresponds to NM_015548.4:c.11143+1G>A in the primary transcript. This sequence change affects a donor splice site in intron 55 of the DST gene. It is expected to disrupt RNA splicing. Variants that disrupt the donor or acceptor splice site typically lead to a loss of protein function (PMID: 16199547), and loss-of-function variants in DST are known to be pathogenic (PMID: 22522446, 25059916, 30371979). This variant is present in population databases (rs757600961, gnomAD 0.0009%). This variant has not been reported in the literature in individuals affected with DST-related conditions. Experimental studies and prediction algorithms are not available or were not evaluated, and the functional significance of this variant is currently unknown. In summary, the currently available evidence indicates that the variant is pathogenic, but additional data are needed to prove that conclusively. Therefore, this variant has been classified as Likely Pathogenic.

Literature cited by the submitters: PubMed 16199547; PubMed 22522446; PubMed 25059916; PubMed 30371979.

NM_001374736.1(DST):c.19012+1G>A

Gene: DST (dystonin; minus strand). Cytogenetic location: 6p12.1.
Variant type: single nucleotide variant.
Coding change: c.19012+1G>A on transcript NM_001374736.1 (MANE Select); the canonical splice donor site of the intron after coding-DNA position 19012, G replaced by A.
Molecular consequence: splice donor variant.
Genome position (GRCh38, 1-based): chr6:56,509,641, C>T on the plus strand (G>A on the coding strand, the complement: DST is on the minus strand). VCF-style: chr6-56509641-C-T. GRCh37 (hg19) VCF-style: chr6-56374439-C-T.
Other names: c.12655+1G>A (NM_001144769.5); c.19012+1G>A (NM_001374722.1); c.19039+1G>A (NM_001374734.1); c.12241+1G>A (NM_001144770.2); c.11794+1G>A (NM_001374730.1); c.12121+1G>A (NM_001386100.1, NM_183380.4); c.18052+1G>A (NM_001374729.1); c.11143+1G>A (NM_015548.5).
Identifiers: ClinVar variation 2952856 (VCV002952856.3), dbSNP rs757600961, ClinGen allele CA3867110.
Genomic context (GRCh38, chr6:56,509,641, plus strand): 5'-AGTAAACCGCATAAACATTTAGAATGCTTTAAAATTTGTTTCCCTATTCCAAAAGTATTA[C>T]CTTTGGCAGATATGTCTTTATCAGTCCCCCCAGATCTAGCAATCATTTCCTCTCCCCTCT-3'